The following is an entry in ClinVar:

NM_001365951.3(KIF1B):c.1172T>C (p.Ile391Thr)

Gene: KIF1B (kinesin family member 1B; plus strand). Cytogenetic location: 1p36.22.
Variant type: single nucleotide variant.
Coding change: c.1172T>C on transcript NM_001365951.3 (MANE Select); coding-DNA position 1172, T replaced by C.
Protein change: p.Ile391Thr; replaces isoleucine 391 with threonine.
Molecular consequence: missense variant.
Genome position (GRCh38, 1-based): chr1:10,278,120, T>C. VCF-style: chr1-10278120-T-C. GRCh37 (hg19) VCF-style: chr1-10338178-T-C.
Other names: c.1172T>C, p.Ile391Thr (NM_001365952.1); c.1154T>C, p.Ile385Thr (NM_001365953.1, NM_015074.3, NM_183416.4); short protein forms I385T, I391T.
Identifiers: ClinVar variation 3288378 (VCV003288378.2).

ClinVar aggregate classification (germline): Uncertain significance. Review status: criteria provided, multiple submitters, no conflicts (2 of 4 stars). 2 submissions from 2 submitters: Uncertain significance (2). Last evaluated 2025-09-03.

Conditions:
Charcot-Marie-Tooth disease type 2. Also called: Charcot-Marie-Tooth type 2. Identifiers: Orphanet 64746, MedGen C0270914, MONDO:0018993.

Submissions (2):

Labcorp Genetics (formerly Invitae), Labcorp
Classification: Uncertain significance for Charcot-Marie-Tooth disease type 2. Last evaluated: 2025-09-03. Review status: criteria provided, single submitter. Criteria: Invitae Variant Classification Sherloc (09022015). Collection method: clinical testing. Allele origin: germline.
Comment: This sequence change replaces isoleucine, which is neutral and non-polar, with threonine, which is neutral and polar, at codon 385 of the KIF1B protein (p.Ile385Thr). This variant is present in population databases (rs778461340, gnomAD 0.002%). This variant has not been reported in the literature in individuals affected with KIF1B-related conditions. ClinVar contains an entry for this variant (Variation ID: 3288378). Invitae Evidence Modeling of protein sequence and biophysical properties (such as structural, functional, and spatial information, amino acid conservation, physicochemical variation, residue mobility, and thermodynamic stability) indicates that this missense variant is not expected to disrupt KIF1B protein function with a negative predictive value of 80%. In summary, the available evidence is currently insufficient to determine the role of this variant in disease. Therefore, it has been classified as a Variant of Uncertain Significance.

Ambry Genetics
Classification: Uncertain significance. Last evaluated: 2024-03-30. Review status: criteria provided, single submitter. Criteria: Ambry Variant Classification Scheme 2023. Collection method: clinical testing. Allele origin: germline.
Comment: The p.I385T variant (also known as c.1154T>C), located in coding exon 11 of the KIF1B gene, results from a T to C substitution at nucleotide position 1154. The isoleucine at codon 385 is replaced by threonine, an amino acid with similar properties. This amino acid position is conserved. In addition, this alteration is predicted to be deleterious by in silico analysis. Based on the available evidence, the clinical significance of this alteration remains unclear.